The following is an entry in ClinVar:

ClinVar aggregate classification (germline): Uncertain significance (1 of 4 stars; one submission).

Submission:

Labcorp Genetics (formerly Invitae), Labcorp
Classification: Uncertain significance. Last evaluated: 2022-12-23. Review status: criteria provided, single submitter. Criteria: Invitae Variant Classification Sherloc (09022015). Collection method: clinical testing. Allele origin: germline.
Comment: In summary, the available evidence is currently insufficient to determine the role of this variant in disease. Therefore, it has been classified as a Variant of Uncertain Significance. This variant, c.306_326dup, results in the insertion of 7 amino acid(s) of the MNX1 protein (p.Gly103_Gly109dup), but otherwise preserves the integrity of the reading frame. The frequency data for this variant in the population databases is considered unreliable, as metrics indicate insufficient coverage at this position in the gnomAD database. This variant has not been reported in the literature in individuals affected with MNX1-related conditions.

NM_005515.4(MNX1):c.306_326dup (p.Gly109_His110insGlyGlyGlyThrGlyGlyGly)

Gene: MNX1 (motor neuron and pancreas homeobox 1; minus strand). Cytogenetic location: 7q36.3.
Variant type: Duplication.
Coding change: c.306_326dup on transcript NM_005515.4 (MANE Select); coding-DNA positions 306 to 326, 21 bases duplicated (CGGCGGCGGCACGGGCGGCGG).
Protein change: p.Gly109_His110insGlyGlyGlyThrGlyGlyGly.
Molecular consequence: inframe insertion.
Genome position (GRCh38, 1-based): chr7:157,010,025-157,010,045, CCGCCGCCCGTGCCGCCGCCG duplicated on the plus strand (CGGCGGCGGCACGGGCGGCGG on the coding strand, the reverse complement: MNX1 is on the minus strand); duplicating any 21 consecutive bases within chr7:157,010,025-157,010,055 gives the same sequence; the c. name uses the placement nearest the transcript's 3' end. VCF-style (leftmost placement, unchanged base first): chr7-157010024-C-CCCGCCGCCCGTGCCGCCGCCG. GRCh37 (hg19) VCF-style: chr7-156802718-C-CCCGCCGCCCGTGCCGCCGCCG.
Identifiers: ClinVar variation 2823655 (VCV002823655.3), dbSNP rs1805683428, ClinGen allele CA2739278776.